The following is an entry in ClinVar:

NM_000186.4(CFH):c.1215G>T (p.Lys405Asn)

Gene: CFH (complement factor H; plus strand). Cytogenetic location: 1q31.3.
Variant type: single nucleotide variant.
Coding change: c.1215G>T on transcript NM_000186.4 (MANE Select); coding-DNA position 1215, G replaced by T.
Protein change: p.Lys405Asn; replaces lysine 405 with asparagine.
Molecular consequence: missense variant.
Genome position (GRCh38, 1-based): chr1:196,690,118, G>T. VCF-style: chr1-196690118-G-T. GRCh37 (hg19) VCF-style: chr1-196659248-G-T.
Other names: c.1215G>T, p.Lys405Asn (NM_001014975.3); short protein forms K405N.
Identifiers: ClinVar variation 4291657 (VCV004291657.1).
Genomic context (GRCh38, chr1:196,690,118, plus strand): 5'-CTTAGGAAAATGTTATTTTCCTTATTTGGAAAATGGATATAATCAAAATCATGGAAGAAA[G>T]TTTGTACAGGGTAAATCTATAGACGTTGCCTGCCATCCTGGCTACGCTCTTCCAAAAGCG-3'
Protein context (NP_000177.2, residues 395-415): ENGYNQNHGR[Lys405Asn]FVQGKSIDVA

ClinVar aggregate classification (germline): Uncertain significance (1 of 4 stars; one submission).

Conditions:
Age related macular degeneration 4. Identifiers: MedGen C1853147, MONDO:0012540, OMIM 610698.

gnomAD v4.1: 1 of 1,612,726 alleles (0.000062%); highest among the groups gnomAD compares: Non-Finnish European, 0.000085%; no homozygotes.

Submission:

Genomenon, Inc
Classification: Uncertain significance for Age related macular degeneration 4. Last evaluated: 2025-10-02. Review status: criteria provided, single submitter. Criteria: Genomenon Sequence Variant Interpretation Standards - Updated. Collection method: curation. Allele origin: germline. Affected: yes.
Comment: CFH p.Lys405Asn (c.1215G>T) is a missense variant that changes the amino acid at residue 405 from Lysine to Asparagine. This variant has been observed in at least one proband affected with age-related macular degeneration (PMID:36246952). It is absent or not present at a significant frequency in gnomAD. In silico models agree that this variant is not damaging. In conclusion, we classify CFH p.Lys405Asn (c.1215G>T) as a variant of uncertain significance.

Literature cited by the submitters: PubMed 36246952.